The following is an entry in ClinVar:

ClinVar aggregate classification (germline): Likely benign. Review status: criteria provided, multiple submitters, no conflicts (2 of 4 stars). 3 submissions from 3 submitters: Likely benign (3). Last evaluated 2026-04-01.

Conditions:
Cystic fibrosis (CF). Also called: MUCOVISCIDOSIS. Identifiers: Orphanet 586, MedGen C0010674, MONDO:0009061, OMIM 219700. Disease mechanism: loss of function.

Allele frequency attached by ClinVar (database versions not stated): TOPMed below 0.00001.

Submissions (3):

CeGaT Center for Human Genetics Tuebingen
Classification: Likely benign. Last evaluated: 2026-04-01. Review status: criteria provided, single submitter. Criteria: CeGaT Center For Human Genetics Tuebingen Variant Classification Criteria Version 2. Collection method: clinical testing. Allele origin: germline. Affected: yes. Observed: 1 variant allele.
Comment: CFTR: PM2:Supporting, BP4, BP7

Labcorp Genetics (formerly Invitae), Labcorp
Classification: Likely benign for Cystic fibrosis. Last evaluated: 2025-12-01. Review status: criteria provided, single submitter. Criteria: Invitae Variant Classification Sherloc (09022015). Collection method: clinical testing. Allele origin: germline.

Ambry Genetics
Classification: Likely benign for Cystic fibrosis. Last evaluated: 2023-12-22. Review status: criteria provided, single submitter. Criteria: Ambry Variant Classification Scheme 2023. Collection method: clinical testing. Allele origin: germline.

NM_000492.4(CFTR):c.1092T>A (p.Ser364=)

Gene: CFTR (CF transmembrane conductance regulator; plus strand). Cytogenetic location: 7q31.2.
Variant type: single nucleotide variant.
Coding change: c.1092T>A on transcript NM_000492.4 (MANE Select); coding-DNA position 1092, T replaced by A.
Protein change: p.Ser364=; no amino-acid change (serine 364 retained).
Molecular consequence: synonymous variant.
Genome position (GRCh38, 1-based): chr7:117,540,322, T>A. VCF-style: chr7-117540322-T-A. GRCh37 (hg19) VCF-style: chr7-117180376-T-A.
Identifiers: ClinVar variation 704157 (VCV000704157.14), dbSNP rs1584789482, ClinGen allele CA457448792.